The following is an entry in ClinVar:

NM_005618.4(DLL1):c.55-6G>C

Gene: DLL1 (delta like canonical Notch ligand 1; minus strand). Cytogenetic location: 6q27.
Variant type: single nucleotide variant.
Coding change: c.55-6G>C on transcript NM_005618.4 (MANE Select); 6 bases into the intron before coding-DNA position 55, G replaced by C.
Molecular consequence: intron variant.
Genome position (GRCh38, 1-based): chr6:170,289,814, C>G on the plus strand (G>C on the coding strand, the complement: DLL1 is on the minus strand). VCF-style: chr6-170289814-C-G. GRCh37 (hg19) VCF-style: chr6-170598902-C-G.
Identifiers: ClinVar variation 1335657 (VCV001335657.40), dbSNP rs767460409, ClinGen allele CA4107211.

ClinVar aggregate classification (germline): Likely benign. Review status: criteria provided, multiple submitters, no conflicts (2 of 4 stars). 2 submissions from 2 submitters: Likely benign (2). Last evaluated 2024-11-11.

Allele frequency attached by ClinVar (database versions not stated): gnomAD exomes 0.00003; ExAC 0.00008.

Submissions (2):

Labcorp Genetics (formerly Invitae), Labcorp
Classification: Likely benign. Last evaluated: 2024-11-11. Review status: criteria provided, single submitter. Criteria: Invitae Variant Classification Sherloc (09022015). Collection method: clinical testing. Allele origin: germline.

CeGaT Center for Human Genetics Tuebingen
Classification: Likely benign. Last evaluated: 2024-02-01. Review status: criteria provided, single submitter. Criteria: CeGaT Center For Human Genetics Tuebingen Variant Classification Criteria Version 2. Collection method: clinical testing. Allele origin: germline. Affected: yes. Observed: 3 variant alleles.
Comment: DLL1: BP4